The following is an entry in ClinVar:

ClinVar aggregate classification (germline): Likely pathogenic (1 of 4 stars; one submission).

Conditions:
Arginase deficiency. Also called: Arginase 1 Deficiency; ARGININEMIA; ARG1 DEFICIENCY. Identifiers: Orphanet 90, MedGen C0268548, MONDO:0008814, OMIM 207800.

Submission:

Myriad Genetics, Inc.
Classification: Likely pathogenic for Arginase deficiency. Last evaluated: 2022-01-02. Review status: criteria provided, single submitter. Criteria: Myriad Women's Health Autosomal Recessive and X-Linked Classification Criteria (2021). Collection method: clinical testing. Allele origin: unknown.
Comment: NM_000045.3(ARG1):c.145_146insC(D49Afs*9) is expected to be pathogenic in the context of argininemia. This variant is predicted to lead to an abnormal or absent protein product due to the creation of a premature termination codon in ARG1, a gene where loss-of-function variants are known to be pathogenic. Please note: this variant was assessed in the context of healthy population screening.

NM_000045.4(ARG1):c.145_146insC (p.Asp49fs)

Genes: ARG1 (arginase 1; plus strand), MED23 (mediator complex subunit 23; minus strand). Cytogenetic location: 6q23.2.
Variant type: Insertion.
Coding change: c.145_146insC on transcript NM_000045.4 (MANE Select); coding-DNA positions 145 to 146, C inserted.
Protein change: p.Asp49fs; shifts the reading frame from aspartic acid 49.
Molecular consequence: frameshift variant. On other transcripts: non-coding transcript variant (1), intron variant (2).
Genome position: GRCh38 VCF-style: chr6-131579125-G-GC. GRCh37 (hg19) VCF-style: chr6-131900265-G-GC.
Other names: c.169_170insC, p.Asp57fs (NM_001244438.2); c.145_146insC, p.Asp49fs (NM_001369020.1); c.4078-4831_4078-4830insG (NM_001270521.2); c.4096-4831_4096-4830insG (NM_015979.4); short protein forms D49fs, D57fs.
Identifiers: ClinVar variation 1726888 (VCV001726888.2), dbSNP rs2482351284, ClinGen allele CA2580075100.